The following is an entry in ClinVar:

NM_000400.4(ERCC2):c.1163T>A (p.Ile388Asn)

Gene: ERCC2 (ERCC excision repair 2, TFIIH core complex helicase subunit; minus strand). Cytogenetic location: 19q13.32.
Variant type: single nucleotide variant.
Coding change: c.1163T>A on transcript NM_000400.4 (MANE Select); coding-DNA position 1163, T replaced by A.
Protein change: p.Ile388Asn; replaces isoleucine 388 with asparagine.
Molecular consequence: missense variant.
Genome position (GRCh38, 1-based): chr19:45,361,598, A>T on the plus strand (T>A on the coding strand, the complement: ERCC2 is on the minus strand). VCF-style: chr19-45361598-A-T. GRCh37 (hg19) VCF-style: chr19-45864856-A-T.
Other names: c.1091T>A, p.Ile364Asn (NM_001130867.2); short protein forms I364N, I388N.
Identifiers: ClinVar variation 2452354 (VCV002452354.2), dbSNP rs2514023438, ClinGen allele CA406370030.
Genomic context (GRCh38, chr19:45,361,598, plus strand): 5'-CTGACAAGGGTGGCAAAGTTAGCAAGGAGGGTGAGCGGGGAGAAGTCAGCAAGGTCGGTG[A>T]TCTCCAGAGTATGCAGCAGGGACCGGAGGCGTTCAGCACAGAATCTGGCGGGGAGGAGAG-3'
Protein context (NP_000391.1, residues 378-398): RLRSLLHTLE[Ile388Asn]TDLADFSPLT

ClinVar aggregate classification (germline): Uncertain significance (1 of 4 stars; one submission).

Conditions:
Inborn genetic diseases. Identifiers: MedGen C0950123, MeSH D030342.

Submission:

Ambry Genetics
Classification: Uncertain significance for Inborn genetic diseases. Last evaluated: 2022-12-25. Review status: criteria provided, single submitter. Criteria: Ambry Variant Classification Scheme 2023. Collection method: clinical testing. Allele origin: germline.
Comment: The p.I388N variant (also known as c.1163T>A), located in coding exon 12 of the ERCC2 gene, results from a T to A substitution at nucleotide position 1163. The isoleucine at codon 388 is replaced by asparagine, an amino acid with dissimilar properties. This amino acid position is conserved. In addition, this alteration is predicted to be deleterious by in silico analysis. Since supporting evidence is limited at this time, the clinical significance of this alteration remains unclear.